The following is an entry in ClinVar:

ClinVar aggregate classification (germline): Benign (3 of 4 stars; one submission).

Conditions:
Breast-ovarian cancer, familial, susceptibility to, 1 (BROVCA1). Also called: BRCA1 Hereditary Breast and Ovarian Cancer; OVARIAN CANCER, SUSCEPTIBILITY TO. Identifiers: Orphanet 145, MedGen C2676676, MONDO:0011450, OMIM 604370. Disease mechanism: loss of function.

Allele frequency attached by ClinVar (database versions not stated): gnomAD 0.01369 and 0.01474; 1000 Genomes Project 0.01558; 1000 Genomes Project 30x 0.01577; TOPMed 0.01624.
gnomAD v4.1: 2,028 of 149,478 alleles (1.4%); highest among the groups gnomAD compares: African/African-American, 4.7%; 49 homozygotes.

Submission:

Evidence-based Network for the Interpretation of Germline Mutant Alleles (ENIGMA)
Classification: Benign for Breast-ovarian cancer, familial 1. Last evaluated: 2015-01-12. Review status: reviewed by expert panel. Criteria: ENIGMA BRCA1/2 Classification Criteria (2015). Collection method: curation. Allele origin: germline.
Comment: Class 1 not pathogenic based on frequency >1% in an outbred sampleset. Frequency 0.08333 (African), derived from 1000 genomes (2012-04-30).

NM_007294.4(BRCA1):c.547+898C>G

Gene: BRCA1 (BRCA1 DNA repair associated; minus strand). Cytogenetic location: 17q21.31.
Variant type: single nucleotide variant.
Coding change: c.547+898C>G on transcript NM_007294.4 (MANE Select); 898 bases into the intron after coding-DNA position 547, C replaced by G.
Molecular consequence: intron variant.
Genome position (GRCh38, 1-based): chr17:43,098,877, G>C on the plus strand (C>G on the coding strand, the complement: BRCA1 is on the minus strand). VCF-style: chr17-43098877-G-C. GRCh37 (hg19) VCF-style: chr17-41250894-G-C.
Other names: IVS 8+898C>G; c.406+898C>G (NM_001408458.1, NM_001407922.1, NM_001408469.1 and 61 more transcripts); c.-218-4017C>G (NM_001407967.1, NM_001407966.1); c.166+898C>G (NM_001407959.1, NM_001408512.1, NM_001408510.1 and 3 more transcripts); c.403+898C>G (NM_001407931.1, NM_001407747.1, NM_001408470.1 and 35 more transcripts); c.163+898C>G (NM_001407962.1); c.337+898C>G (NM_001407885.1, NM_001407886.1, NM_001407881.1 and 37 more transcripts); c.544+898C>G (NM_001407686.1, NM_001408397.1, NM_001407632.1 and 65 more transcripts); and 6 more.
Identifiers: ClinVar variation 209459 (VCV000209459.2), dbSNP rs143460481, ClinGen allele CA063424.